The following is an entry in ClinVar:

ClinVar aggregate classification (germline): Uncertain significance. Review status: criteria provided, multiple submitters, no conflicts (2 of 4 stars). 2 submissions from 2 submitters: Uncertain significance (2). Last evaluated 2023-07-25.

Conditions:
Hereditary cancer-predisposing syndrome. Also called: Hereditary Cancer Syndrome; Hereditary neoplastic syndrome; Neoplastic Syndromes, Hereditary; Tumor predisposition. Identifiers: Orphanet 140162, MedGen C0027672, MeSH D009386, MONDO:0015356.
Endometrial carcinoma. Also called: Endometrial carcinoma, somatic. Identifiers: MedGen C0476089, MONDO:0002447, OMIM 608089, HP:0012114.

Submissions (2):

Baylor Genetics
Classification: Uncertain significance for Endometrial carcinoma. Last evaluated: 2023-07-25. Review status: criteria provided, single submitter. Criteria: ACMG Guidelines, 2015. Collection method: clinical testing. Allele origin: unknown.

Sema4
Classification: Uncertain significance for Hereditary cancer-predisposing syndrome. Last evaluated: 2021-07-29. Review status: criteria provided, single submitter. Criteria: Sema4 Curation Guidelines. Collection method: curation. Allele origin: germline.
Comment: The MSH6 c.303G>C (p.E101D) variant has not been reported in literature to our knowledge. This variant was not observed in the large and broad cohorts of the Genome Aggregation Database (PMID: 32461654). This variant has not been reported in ClinVar. Functional studies have not been performed, and in silico predictions of the variant's effect on protein function are inconclusive. The overall evidence is insufficient to meet ACMG/AMP criteria for classifying it as benign or pathogenic. In summary, the clinical significance of this variant is currently uncertain.

NM_000179.3(MSH6):c.303G>C (p.Glu101Asp)

Gene: MSH6 (mutS homolog 6; plus strand). Cytogenetic location: 2p16.3.
Variant type: single nucleotide variant.
Coding change: c.303G>C on transcript NM_000179.3 (MANE Select); coding-DNA position 303, G replaced by C.
Protein change: p.Glu101Asp; replaces glutamic acid 101 with aspartic acid.
Molecular consequence: missense variant. On other transcripts: 5 prime UTR variant (2), intron variant (1).
Genome position (GRCh38, 1-based): chr2:47,790,969, G>C. VCF-style: chr2-47790969-G-C. GRCh37 (hg19) VCF-style: chr2-48018108-G-C.
Other names: c.-434G>C (NM_001281493.2); c.-600G>C (NM_001281494.2); c.237+7499G>C (NM_001281492.2); short protein forms E101D.
Identifiers: ClinVar variation 1692255 (VCV001692255.2), dbSNP rs1057521533, ClinGen allele CA346736755.
Genomic context (GRCh38, chr2:47,790,969, plus strand): 5'-ATTTCCTTTTGGCAACAGTTGTGACTTCTCACCAGGAGATTTGGTTTGGGCCAAGATGGA[G>C]GGTTACCCCTGGTGGCCTTGTCTGGTTTACAACCACCCCTTTGATGGAACATTCATCCGC-3'
Protein context (NP_000170.1, residues 91-111): SPGDLVWAKM[Glu101Asp]GYPWWPCLVY